The following is an entry in ClinVar:

NM_032447.5(FBN3):c.1808C>A (p.Ala603Glu)

Gene: FBN3 (fibrillin 3; minus strand). Cytogenetic location: 19p13.2.
Variant type: single nucleotide variant.
Coding change: c.1808C>A on transcript NM_032447.5 (MANE Select); coding-DNA position 1808, C replaced by A.
Protein change: p.Ala603Glu; replaces alanine 603 with glutamic acid.
Molecular consequence: missense variant.
Genome position (GRCh38, 1-based): chr19:8,131,736, G>T on the plus strand (C>A on the coding strand, the complement: FBN3 is on the minus strand). VCF-style: chr19-8131736-G-T. GRCh37 (hg19) VCF-style: chr19-8196620-G-T.
Other names: c.1808C>A, p.Ala603Glu (NM_001321431.2); c.1808C>A (NM_032447.3); short protein forms A603E.
Identifiers: ClinVar variation 2959441 (VCV002959441.4), dbSNP rs371118149, ClinGen allele CA9153143.

ClinVar aggregate classification (germline): Uncertain significance. Review status: criteria provided, multiple submitters, no conflicts (2 of 4 stars). 2 submissions from 2 submitters: Uncertain significance (2). Last evaluated 2025-05-03.

Allele frequency attached by ClinVar (database versions not stated): gnomAD 0.00002; ESP Exome Variant Server 0.00008.
gnomAD v4.1: 34 of 1,613,448 alleles (0.0021%); highest among the groups gnomAD compares: Admixed American, 0.0067%; no homozygotes.

Submissions (2):

Ambry Genetics
Classification: Uncertain significance. Last evaluated: 2025-05-03. Review status: criteria provided, single submitter. Criteria: Ambry Variant Classification Scheme 2023. Collection method: clinical testing. Allele origin: germline.

Labcorp Genetics (formerly Invitae), Labcorp
Classification: Uncertain significance. Last evaluated: 2024-10-24. Review status: criteria provided, single submitter. Criteria: Invitae Variant Classification Sherloc (09022015). Collection method: clinical testing. Allele origin: germline.
Comment: This sequence change replaces alanine, which is neutral and non-polar, with glutamic acid, which is acidic and polar, at codon 603 of the FBN3 protein (p.Ala603Glu). This variant is present in population databases (rs371118149, gnomAD 0.009%). This variant has not been reported in the literature in individuals affected with FBN3-related conditions. Invitae Evidence Modeling of protein sequence and biophysical properties (such as structural, functional, and spatial information, amino acid conservation, physicochemical variation, residue mobility, and thermodynamic stability) has been performed for this missense variant. However, the output from this modeling did not meet the statistical confidence thresholds required to predict the impact of this variant on FBN3 protein function. In summary, the available evidence is currently insufficient to determine the role of this variant in disease. Therefore, it has been classified as a Variant of Uncertain Significance.